The following is an entry in ClinVar:

NM_001039141.3(TRIOBP):c.2362C>T (p.Arg788Ter)

Gene: TRIOBP (TRIO and F-actin binding protein; plus strand). Cytogenetic location: 22q13.1.
Variant type: single nucleotide variant.
Coding change: c.2362C>T on transcript NM_001039141.3 (MANE Select); coding-DNA position 2362, C replaced by T.
Protein change: p.Arg788Ter; replaces arginine 788 with a stop codon.
Molecular consequence: nonsense.
Genome position (GRCh38, 1-based): chr22:37,724,918, C>T. VCF-style: chr22-37724918-C-T. GRCh37 (hg19) VCF-style: chr22-38120925-C-T.
Other names: short protein forms R788*.
Identifiers: ClinVar variation 1493 (VCV000001493.4), dbSNP rs118204029, ClinGen allele CA251854.
Genomic context (GRCh38, chr22:37,724,918, plus strand): 5'-CTCAGAACATCCTGTACCCGACAGGACAATCCCAGGACCTCCTCTCCCAATAGAGCCACA[C>T]GAGACAACCCCAGAACATCCTGTGCCCAGCGGGACAATCTCAGAGCCTCCTCTCCCATCA-3'

ClinVar aggregate classification (germline): Pathogenic. Review status: criteria provided, multiple submitters, no conflicts (2 of 4 stars). 3 submissions from 3 submitters: Pathogenic (2). 1 of the submissions does not count toward it. Last evaluated 2025-04-17.

Conditions:
TRIOBP-related disorder. Also called: TRIOBP-related condition.
Autosomal recessive nonsyndromic hearing loss 28. Identifiers: Orphanet 90636, MedGen C1853276, MONDO:0012355, OMIM 609823.

Allele frequency attached by ClinVar (database versions not stated): gnomAD exomes 0.00001 and 0.00002; TOPMed 0.00001; ExAC 0.00003.

Submissions (3):

Labcorp Genetics (formerly Invitae), Labcorp
Classification: Pathogenic. Last evaluated: 2025-04-17. Review status: criteria provided, single submitter. Criteria: Invitae Variant Classification Sherloc (09022015). Collection method: clinical testing. Allele origin: germline.
Comment: This sequence change creates a premature translational stop signal (p.Arg788*) in the TRIOBP gene. It is expected to result in an absent or disrupted protein product. Loss-of-function variants in TRIOBP are known to be pathogenic (PMID: 16385457, 16385458, 20510926). This variant is present in population databases (rs118204029, gnomAD 0.01%). This premature translational stop signal has been observed in individual(s) with deafness (PMID: 16385457). ClinVar contains an entry for this variant (Variation ID: 1493). For these reasons, this variant has been classified as Pathogenic.

Blueprint Genetics
Classification: Pathogenic for TRIOBP-related disorders. Last evaluated: 2023-08-25. Review status: criteria provided, single submitter. Criteria: ACMG Guidelines, 2015. Collection method: clinical testing. Allele origin: germline. Affected: yes. Observed: 2 variant alleles.

OMIM
Classification: Pathogenic for DEAFNESS, AUTOSOMAL RECESSIVE 28. Last evaluated: 2006-01-01. Review status: no assertion criteria provided. Collection method: literature only. Allele origin: germline. Not counted in ClinVar's aggregate classification.

Literature cited by the submitters: PubMed 16385457 (cited by Labcorp Genetics (formerly Invitae), Labcorp and OMIM); PubMed 16385458 (cited by Labcorp Genetics (formerly Invitae), Labcorp); PubMed 20510926 (cited by Labcorp Genetics (formerly Invitae), Labcorp).